The following is an entry in ClinVar:

NM_006329.4(FBLN5):c.356T>C (p.Met119Thr)

Gene: FBLN5 (fibulin 5; minus strand). Cytogenetic location: 14q32.12.
Variant type: single nucleotide variant.
Coding change: c.356T>C on transcript NM_006329.4 (MANE Select); coding-DNA position 356, T replaced by C.
Protein change: p.Met119Thr; replaces methionine 119 with threonine.
Molecular consequence: missense variant.
Genome position (GRCh38, 1-based): chr14:91,936,970, A>G on the plus strand (T>C on the coding strand, the complement: FBLN5 is on the minus strand). VCF-style: chr14-91936970-A-G. GRCh37 (hg19) VCF-style: chr14-92403314-A-G.
Other names: c.479T>C, p.Met160Thr (NM_001384158.1); c.407T>C, p.Met136Thr (NM_001384159.1); c.356T>C, p.Met119Thr (NM_001384160.1); c.188T>C, p.Met63Thr (NM_001384161.1, NM_001384162.1); short protein forms M63T, M119T, M136T, M160T.
Identifiers: ClinVar variation 4746539 (VCV004746539.1).
Genomic context (GRCh38, chr14:91,936,970, plus strand): 5'-AGCACAGCGGAGAGGAACAAAAGGCCGGGCTACTCACCCACACATTGGTTGCTTTCATCC[A>G]TCTGGTATCCAAAGCGGCATATAAGAGGCCTGGAGATCGTGGGATAGTTTGGAGCTGAGA-3'
Protein context (NP_006320.2, residues 109-129): RPLICRFGYQ[Met119Thr]DESNQCVDVD

ClinVar aggregate classification (germline): Uncertain significance (1 of 4 stars; one submission).

Submission:

Labcorp Genetics (formerly Invitae), Labcorp
Classification: Uncertain significance. Last evaluated: 2025-05-26. Review status: criteria provided, single submitter. Criteria: Invitae Variant Classification Sherloc (09022015). Collection method: clinical testing. Allele origin: germline.
Comment: This sequence change replaces methionine, which is neutral and non-polar, with threonine, which is neutral and polar, at codon 119 of the FBLN5 protein (p.Met119Thr). This variant is not present in population databases (gnomAD no frequency). This variant has not been reported in the literature in individuals affected with FBLN5-related conditions. Invitae Evidence Modeling of protein sequence and biophysical properties (such as structural, functional, and spatial information, amino acid conservation, physicochemical variation, residue mobility, and thermodynamic stability) indicates that this missense variant is not expected to disrupt FBLN5 protein function with a negative predictive value of 80%. In summary, the available evidence is currently insufficient to determine the role of this variant in disease. Therefore, it has been classified as a Variant of Uncertain Significance.